The following is an entry in ClinVar:

NM_020921.4(NIN):c.5065-1G>C

Genes: NIN (ninein; minus strand), LOC126861936 (BRD4-independent group 4 enhancer GRCh37_chr14:51210620-51211819; plus strand). Cytogenetic location: 14q22.1.
Variant type: single nucleotide variant.
Coding change: c.5065-1G>C on transcript NM_020921.4 (MANE Select); the canonical splice acceptor site of the intron before coding-DNA position 5065, G replaced by C.
Molecular consequence: splice acceptor variant.
Genome position (GRCh38, 1-based): chr14:50,744,366, C>G on the plus strand (G>C on the coding strand, the complement: NIN is on the minus strand). VCF-style: chr14-50744366-C-G. GRCh37 (hg19) VCF-style: chr14-51211084-C-G.
Other names: c.2926-1G>C (NM_016350.5); c.5065-1G>C (NM_182946.2, NM_182944.3).
Identifiers: ClinVar variation 3613163 (VCV003613163.2).

ClinVar aggregate classification (germline): Uncertain significance (1 of 4 stars; one submission).

gnomAD v4.1: 1 of 1,613,512 alleles (0.000062%); highest among the groups gnomAD compares: Non-Finnish European, 0.000085%; no homozygotes.

Submission:

Labcorp Genetics (formerly Invitae), Labcorp
Classification: Uncertain significance. Last evaluated: 2025-05-27. Review status: criteria provided, single submitter. Criteria: Invitae Variant Classification Sherloc (09022015). Collection method: clinical testing. Allele origin: germline.
Comment: This sequence change affects an acceptor splice site in intron 22 of the NIN gene. It is expected to disrupt RNA splicing. Variants that disrupt the donor or acceptor splice site typically lead to a loss of protein function (PMID: 16199547), however the current clinical and genetic evidence is not sufficient to establish whether loss-of-function variants in NIN cause disease. This variant is not present in population databases (gnomAD no frequency). This variant has not been reported in the literature in individuals affected with NIN-related conditions. ClinVar contains an entry for this variant (Variation ID: 3613163). Algorithms developed to predict the effect of sequence changes on RNA splicing suggest that this variant may disrupt the consensus splice site. In summary, the available evidence is currently insufficient to determine the role of this variant in disease. Therefore, it has been classified as a Variant of Uncertain Significance.

Literature cited by the submitters: PubMed 16199547.